The following is an entry in ClinVar:

NM_001360016.2(G6PD):c.519C>T (p.Phe173=)

Gene: G6PD (glucose-6-phosphate dehydrogenase; minus strand). Cytogenetic location: Xq28.
Variant type: single nucleotide variant.
Coding change: c.519C>T on transcript NM_001360016.2 (MANE Select); coding-DNA position 519, C replaced by T.
Protein change: p.Phe173=; no amino-acid change (phenylalanine 173 retained).
Molecular consequence: synonymous variant.
Genome position (GRCh38, 1-based): chrX:154,534,463, G>A on the plus strand (C>T on the coding strand, the complement: G6PD is on the minus strand). VCF-style: chrX-154534463-G-A. GRCh37 (hg19) VCF-style: chrX-153762678-G-A.
Other names: p.Phe173=; c.609C>T, p.Phe203= (NM_000402.4); c.519C>T, p.Phe173= (NM_001042351.3); c.519C>T (NM_001042351.1).
Identifiers: ClinVar variation 714806 (VCV000714806.21), dbSNP rs200111236, ClinGen allele CA10566222.

ClinVar aggregate classification (germline): Conflicting classifications of pathogenicity. Review status: criteria provided, conflicting classifications (1 of 4 stars). 5 submissions from 5 submitters: Uncertain significance (1); Benign (1); Likely benign (3). Last evaluated 2026-05-10.

Conditions:
Anemia, nonspherocytic hemolytic, due to G6PD deficiency (CNSHA1). Also called: Hemolytic anemia due to G6PD deficiency; Class I glucose-6-phosphate dehydrogenase deficiency; Favism, susceptibility to; ANEMIA, CONGENITAL, NONSPHEROCYTIC HEMOLYTIC, 1. Identifiers: Orphanet 466026, MedGen C2720289, MONDO:0010480, OMIM 300908.
Inborn genetic diseases. Identifiers: MedGen C0950123, MeSH D030342.

Allele frequency attached by ClinVar (database versions not stated): gnomAD 0.00010 and 0.00012; TOPMed 0.00020; ExAC 0.00025; 1000 Genomes Project 0.00132; 1000 Genomes Project 30x 0.00146.
gnomAD v4.1: 69 of 1,210,235 alleles (0.0057%); highest among the groups gnomAD compares: East Asian, 0.18%; no homozygotes.

Submissions (5):

Ambry Genetics
Classification: Likely benign for Inborn genetic diseases. Last evaluated: 2026-05-10. Review status: criteria provided, single submitter. Criteria: Ambry Variant Classification Scheme 2023. Collection method: clinical testing. Allele origin: germline.

Labcorp Genetics (formerly Invitae), Labcorp
Classification: Benign for Anemia, nonspherocytic hemolytic, due to G6PD deficiency. Last evaluated: 2025-11-03. Review status: criteria provided, single submitter. Criteria: Invitae Variant Classification Sherloc (09022015). Collection method: clinical testing. Allele origin: germline.

Mayo Clinic Laboratories, Mayo Clinic
Classification: Uncertain significance. Last evaluated: 2025-03-07. Review status: criteria provided, single submitter. Criteria: ACMG Guidelines, 2015. Collection method: clinical testing. Allele origin: germline. Observed: 1 variant allele.
Comment: BP7

Blueprint Genetics
Classification: Likely benign. Last evaluated: 2024-10-04. Review status: criteria provided, single submitter. Criteria: ACMG Guidelines, 2015. Collection method: clinical testing. Allele origin: germline.

ARUP Laboratories, Molecular Genetics and Genomics, ARUP Laboratories
Classification: Likely benign. Last evaluated: 2021-11-30. Review status: criteria provided, single submitter. Criteria: ARUP Molecular Germline Variant Investigation Process 2021. Collection method: clinical testing. Allele origin: germline.

Literature cited by the submitters: PubMed 37967096 (cited by Mayo Clinic Laboratories, Mayo Clinic).